The following is an entry in ClinVar:

ClinVar aggregate classification (germline): Uncertain significance (1 of 4 stars; one submission).

Conditions:
Familial hypobetalipoproteinemia 1. Also called: Hypobetalipoproteinemia, normotriglyceridemic; Acanthocytosis with hypobetalipoproteinemia; APOB-Related Familial Hypobetalipoproteinemia. Identifiers: MedGen C4551990, MONDO:0014252, OMIM 615558.
Hypercholesterolemia, autosomal dominant, type B (FHCL2). Also called: Familial Hypercholesterolemia Type B; APOLIPOPROTEIN B-100, FAMILIAL DEFECTIVE; APOLIPOPROTEIN B-100, FAMILIAL LIGAND-DEFECTIVE; HYPERCHOLESTEROLEMIA, FAMILIAL, DUE TO LIGAND-DEFECTIVE APOLIPOPROTEIN B; Familial hypercholesterolemia 2; APOB-Related Familial Hypercholesterolemia, Autosomal Dominant. Identifiers: MedGen C1704417, MONDO:0007751, OMIM 144010.

Allele frequency attached by ClinVar (database versions not stated): TOPMed 0.00001; gnomAD 0.00001.
gnomAD v4.1: 1 of 1,613,754 alleles (0.000062%); highest among the groups gnomAD compares: Non-Finnish European, 0.000085%; no homozygotes.

Submission:

Labcorp Genetics (formerly Invitae), Labcorp
Classification: Uncertain significance for Familial hypobetalipoproteinemia 1; Hypercholesterolemia, autosomal dominant, type B. Last evaluated: 2018-10-31. Review status: criteria provided, single submitter. Criteria: Invitae Variant Classification Sherloc (09022015). Collection method: clinical testing. Allele origin: germline.
Comment: In summary, the available evidence is currently insufficient to determine the role of this variant in disease. Therefore, it has been classified as a Variant of Uncertain Significance. Algorithms developed to predict the effect of missense changes on protein structure and function are either unavailable or do not agree on the potential impact of this missense change (SIFT: "Deleterious"; PolyPhen-2: "Probably Damaging"; Align-GVGD: "Class C0"). This variant has not been reported in the literature in individuals with APOB-related disease. This variant is not present in population databases (ExAC no frequency). This sequence change replaces serine with threonine at codon 3238 of the APOB protein (p.Ser3238Thr). The serine residue is moderately conserved and there is a small physicochemical difference between serine and threonine.

NM_000384.3(APOB):c.9712T>A (p.Ser3238Thr)

Gene: APOB (apolipoprotein B; minus strand). Cytogenetic location: 2p24.1.
Variant type: single nucleotide variant.
Coding change: c.9712T>A on transcript NM_000384.3 (MANE Select); coding-DNA position 9712, T replaced by A.
Protein change: p.Ser3238Thr; replaces serine 3238 with threonine.
Molecular consequence: missense variant.
Genome position (GRCh38, 1-based): chr2:21,007,156, A>T on the plus strand (T>A on the coding strand, the complement: APOB is on the minus strand). VCF-style: chr2-21007156-A-T. GRCh37 (hg19) VCF-style: chr2-21230028-A-T.
Other names: short protein forms S3238T.
Identifiers: ClinVar variation 664276 (VCV000664276.13), dbSNP rs1365893346, ClinGen allele CA345989142.